The following is an entry in ClinVar:

ClinVar aggregate classification (germline): Likely benign (1 of 4 stars; one submission).

gnomAD v4.1: 52 of 1,613,346 alleles (0.0032%); highest among the groups gnomAD compares: Non-Finnish European, 0.0042%; no homozygotes.

Submission:

CeGaT Center for Human Genetics Tuebingen
Classification: Likely benign. Last evaluated: 2026-09-01. Review status: criteria provided, single submitter. Criteria: CeGaT Center For Human Genetics Tuebingen Variant Classification Criteria Version 2. Collection method: clinical testing. Allele origin: germline. Affected: yes. Observed: 1 variant allele.
Comment: WBP11: BP4, BP7

NM_016312.3(WBP11):c.174G>A (p.Glu58=)

Gene: WBP11 (WW domain binding protein 11; minus strand). Cytogenetic location: 12p12.3.
Variant type: single nucleotide variant.
Coding change: c.174G>A on transcript NM_016312.3 (MANE Select); coding-DNA position 174, G replaced by A.
Protein change: p.Glu58=; no amino-acid change (glutamic acid 58 retained).
Molecular consequence: synonymous variant.
Genome position (GRCh38, 1-based): chr12:14,799,651, C>T on the plus strand (G>A on the coding strand, the complement: WBP11 is on the minus strand). VCF-style: chr12-14799651-C-T. GRCh37 (hg19) VCF-style: chr12-14952585-C-T.
Identifiers: ClinVar variation 5041217 (VCV005041217.1).